The following is an entry in ClinVar:

ClinVar aggregate classification (germline): Uncertain significance (1 of 4 stars; one submission).

Conditions:
COL4A2-related disorder. Also called: COL4A2-related disorders; COL4A2-related condition.

gnomAD v4.1: 17 of 1,579,858 alleles (0.0011%); highest among the groups gnomAD compares: South Asian, 0.0067%; no homozygotes.

Submission:

PreventionGenetics, part of Exact Sciences
Classification: Uncertain significance for COL4A2-related condition. Last evaluated: 2026-05-19. Review status: criteria provided, single submitter. Criteria: ACMG Guidelines, 2015. Collection method: clinical testing. Allele origin: germline.
Comment: The COL4A2 c.4229G>A variant is predicted to result in the amino acid substitution p.Arg1410Gln. To our knowledge, this variant has not been reported in the literature in individuals with COL4A2-related disorders. This variant is reported in 0.0070% of alleles in individuals of South Asian descent in gnomAD. At this time, the clinical significance of this variant is uncertain due to the absence of conclusive functional and genetic evidence.

NM_001846.4(COL4A2):c.4229G>A (p.Arg1410Gln)

Genes: COL4A2 (collagen type IV alpha 2 chain; plus strand), COL4A2-AS1 (COL4A2 antisense RNA 1; minus strand). Cytogenetic location: 13q34.
Variant type: single nucleotide variant.
Coding change: c.4229G>A on transcript NM_001846.4 (MANE Select); coding-DNA position 4229, G replaced by A.
Protein change: p.Arg1410Gln; replaces arginine 1410 with glutamine.
Molecular consequence: missense variant.
Genome position (GRCh38, 1-based): chr13:110,503,937, G>A. VCF-style: chr13-110503937-G-A. GRCh37 (hg19) VCF-style: chr13-111156284-G-A.
Other names: short protein forms R1410Q.
Identifiers: ClinVar variation 5002649 (VCV005002649.1).
Genomic context (GRCh38, chr13:110,503,937, plus strand): 5'-TTGCAGGAATCCCCCAGAAGATTGCCGTCCAACCAGGGACAGTGGGTCCCCAGGGGAGGC[G>A]AGGCCCCCCTGGGGCACCGGGGGAGATGGGGCCCCAGGGCCCCCCCGGAGAACCAGGTAG-3'
Protein context (NP_001837.2, residues 1400-1420): QPGTVGPQGR[Arg1410Gln]GPPGAPGEMG